The following is an entry in ClinVar:

NM_000218.3(KCNQ1):c.160_175del (p.Ile54fs)

Gene: KCNQ1 (potassium voltage-gated channel subfamily Q member 1; plus strand). Cytogenetic location: 11p15.5.
Variant type: Deletion.
Coding change: c.160_175del on transcript NM_000218.3 (MANE Select); coding-DNA positions 160 to 175, 16 bases deleted (ATCGCGCCCGGCGCCC).
Protein change: p.Ile54fs; shifts the reading frame from isoleucine 54.
Molecular consequence: frameshift variant.
Genome position (GRCh38, 1-based): chr11:2,445,258-2,445,273, ATCGCGCCCGGCGCCC deleted; deleting any 16 consecutive bases within chr11:2,445,252-2,445,273 gives the same sequence; the c. name uses the placement nearest the transcript's 3' end. VCF-style (leftmost placement, unchanged base first): chr11-2445251-CGCGCCCATCGCGCCCG-C. GRCh37 (hg19) VCF-style: chr11-2466481-CGCGCCCATCGCGCCCG-C.
Other names: short protein forms I54fs.
Identifiers: ClinVar variation 1072801 (VCV001072801.8), dbSNP rs2133559667, ClinGen allele CA2499220864.
Genomic context (GRCh38, chr11:2,445,251, plus strand): 5'-CAAGAAGTGCCCCTTCTCGCTGGAGCTGGCGGAGGGCGGCCCGGCGGGCGGCGCGCTCTA[CGCGCCCATCGCGCCCG>C]GCGCCCCAGGTCCCGCGCCCCCTGCGTCCCCGGCCGCGCCCGCCGCGCCCCCAGTTGCCT-3'

ClinVar aggregate classification (germline): Pathogenic/Likely pathogenic. Review status: criteria provided, multiple submitters, no conflicts (2 of 4 stars). 2 submissions from 2 submitters: Pathogenic (1); Likely pathogenic (1). Last evaluated 2021-02-26.

Conditions:
KCNQ1-related disorder. Also called: KCNQ1-related condition; KCNQ1-related disorders. Identifiers: MedGen CN239322.
Long QT syndrome (LQTS). Identifiers: MedGen C0023976, MeSH D008133, MONDO:0002442. Disease mechanism: loss of function. Inheritance: Various modes of inheritance.

Submissions (2):

Blueprint Genetics
Classification: Likely pathogenic for KCNQ1-related disorders. Last evaluated: 2021-02-26. Review status: criteria provided, single submitter. Criteria: ACMG Guidelines, 2015. Collection method: clinical testing. Allele origin: germline. Affected: yes. Observed: 4 variant alleles.

Labcorp Genetics (formerly Invitae), Labcorp
Classification: Pathogenic for Long QT syndrome. Last evaluated: 2020-10-01. Review status: criteria provided, single submitter. Criteria: Invitae Variant Classification Sherloc (09022015). Collection method: clinical testing. Allele origin: germline.
Comment: For these reasons, this variant has been classified as Pathogenic. Loss-of-function variants in KCNQ1 are known to be pathogenic (PMID: 9323054, 19862833). This variant has not been reported in the literature in individuals with KCNQ1-related conditions. The frequency data for this variant in the population databases is considered unreliable, as metrics indicate insufficient coverage at this position in the ExAC database. This sequence change creates a premature translational stop signal (p.Ile54Glnfs*27) in the KCNQ1 gene. It is expected to result in an absent or disrupted protein product.

Literature cited by the submitters: PubMed 9323054 (cited by Labcorp Genetics (formerly Invitae), Labcorp); PubMed 19862833 (cited by Labcorp Genetics (formerly Invitae), Labcorp).